The following is an entry in ClinVar:

NM_000143.4(FH):c.810T>C (p.Tyr270=)

Gene: FH (fumarate hydratase; minus strand). Cytogenetic location: 1q43.
Variant type: single nucleotide variant.
Coding change: c.810T>C on transcript NM_000143.4 (MANE Select); coding-DNA position 810, T replaced by C.
Protein change: p.Tyr270=; no amino-acid change (tyrosine 270 retained).
Molecular consequence: synonymous variant.
Genome position (GRCh38, 1-based): chr1:241,506,097, A>G on the plus strand (T>C on the coding strand, the complement: FH is on the minus strand). VCF-style: chr1-241506097-A-G. GRCh37 (hg19) VCF-style: chr1-241669397-A-G.
Identifiers: ClinVar variation 1990744 (VCV001990744.6), dbSNP rs567291615, ClinGen allele CA40328169.

ClinVar aggregate classification (germline): Benign/Likely benign. Review status: criteria provided, multiple submitters, no conflicts (2 of 4 stars). 3 submissions from 3 submitters: Benign (1); Likely benign (2). Last evaluated 2025-04-12.

Conditions:
Hereditary cancer-predisposing syndrome. Also called: Tumor predisposition; Hereditary Cancer Syndrome; Hereditary neoplastic syndrome; Neoplastic Syndromes, Hereditary. Identifiers: Orphanet 140162, MedGen C0027672, MeSH D009386, MONDO:0015356.
Hereditary leiomyomatosis and renal cell cancer. Also called: Multiple cutaneous leiomyomas; MULTIPLE CUTANEOUS AND UTERINE LEIOMYOMATA 1, WITH OR WITHOUT RENAL CELL CARCINOMA; LEIOMYOMA, MULTIPLE CUTANEOUS; Familial leiomyomatosis; FH tumor predisposition syndrome; Reed syndrome. Identifiers: Orphanet 523, MedGen C1708350, MONDO:0007888, OMIM 150800, HP:0007437. Disease mechanism: loss of function.

Allele frequency attached by ClinVar (database versions not stated): gnomAD 0.00001.
gnomAD v4.1: 2 of 1,614,060 alleles (0.00012%); highest among the groups gnomAD compares: African/African-American, 0.0027%; no homozygotes.

Submissions (3):

Ambry Genetics
Classification: Likely benign for Hereditary cancer-predisposing syndrome. Last evaluated: 2025-04-12. Review status: criteria provided, single submitter. Criteria: Ambry Variant Classification Scheme 2023. Collection method: clinical testing. Allele origin: germline.

Myriad Genetics, Inc.
Classification: Benign for Hereditary leiomyomatosis and renal cell cancer. Last evaluated: 2024-10-18. Review status: criteria provided, single submitter. Criteria: Myriad Autosomal Dominant, Autosomal Recessive and X-Linked Classification Criteria (2023). Collection method: clinical testing. Allele origin: unknown.
Comment: This variant is considered benign. This variant is a silent/synonymous amino acid change and it is not expected to impact splicing.

Labcorp Genetics (formerly Invitae), Labcorp
Classification: Likely benign. Last evaluated: 2024-02-22. Review status: criteria provided, single submitter. Criteria: Invitae Variant Classification Sherloc (09022015). Collection method: clinical testing. Allele origin: germline.